The following is an entry in ClinVar:

NM_021625.5(TRPV4):c.1064G>T (p.Arg355Leu)

Gene: TRPV4 (transient receptor potential cation channel subfamily V member 4; minus strand). Cytogenetic location: 12q24.11.
Variant type: single nucleotide variant.
Coding change: c.1064G>T on transcript NM_021625.5 (MANE Select); coding-DNA position 1064, G replaced by T.
Protein change: p.Arg355Leu; replaces arginine 355 with leucine.
Molecular consequence: missense variant.
Genome position (GRCh38, 1-based): chr12:109,798,702, C>A on the plus strand (G>T on the coding strand, the complement: TRPV4 is on the minus strand). VCF-style: chr12-109798702-C-A. GRCh37 (hg19) VCF-style: chr12-110236507-C-A.
Other names: c.1064G>T, p.Arg355Leu (NM_147204.3); c.923G>T, p.Arg308Leu (NM_001177428.2, NM_001177433.2); c.962G>T, p.Arg321Leu (NM_001177431.2); short protein forms R308L, R355L, R321L.
Identifiers: ClinVar variation 2555887 (VCV002555887.3), dbSNP rs764715510, ClinGen allele CA243467575.

ClinVar aggregate classification (germline): Uncertain significance (1 of 4 stars; one submission).

Conditions:
Inborn genetic diseases. Identifiers: MedGen C0950123, MeSH D030342.

gnomAD v4.1: 8 of 1,613,920 alleles (0.0005%); highest among the groups gnomAD compares: Admixed American, 0.0033%; no homozygotes.

Submission:

Ambry Genetics
Classification: Uncertain significance for Inborn genetic diseases. Last evaluated: 2026-02-24. Review status: criteria provided, single submitter. Criteria: Ambry Variant Classification Scheme 2023. Collection method: clinical testing. Allele origin: germline.
Comment: The c.1064G>T (p.R355L) alteration is located in exon 6 (coding exon 5) of the TRPV4 gene. This alteration results from a G to T substitution at nucleotide position 1064, causing the arginine (R) at amino acid position 355 to be replaced by a leucine (L). Based on data from gnomAD, the T allele has an overall frequency of <0.001% (1/251054) total alleles studied. The highest observed frequency was <0.001% (/) of alleles. Based on insufficient or conflicting evidence, the clinical significance of this alteration remains unclear.